The following is an entry in ClinVar:

ClinVar aggregate classification (germline): Uncertain significance (1 of 4 stars; one submission).

Conditions:
Hereditary cancer-predisposing syndrome. Also called: Neoplastic Syndromes, Hereditary; Tumor predisposition; Hereditary Cancer Syndrome; Hereditary neoplastic syndrome. Identifiers: Orphanet 140162, MedGen C0027672, MeSH D009386, MONDO:0015356.

Submission:

Ambry Genetics
Classification: Uncertain significance for Hereditary cancer-predisposing syndrome. Last evaluated: 2018-04-10. Review status: criteria provided, single submitter. Criteria: Ambry Variant Classification Scheme 2023. Collection method: clinical testing. Allele origin: germline.
Comment: The p.A824T variant (also known as c.2470G>A), located in coding exon 16 of the BRIP1 gene, results from a G to A substitution at nucleotide position 2470. The alanine at codon 824 is replaced by threonine, an amino acid with similar properties. This amino acid position is highly conserved in available vertebrate species. In addition, this alteration is predicted to be deleterious by in silico analysis. Since supporting evidence is limited at this time, the clinical significance of this alteration remains unclear.

NM_032043.3(BRIP1):c.2470G>A (p.Ala824Thr)

Gene: BRIP1 (BRCA1 interacting DNA helicase 1; minus strand). Cytogenetic location: 17q23.2.
Variant type: single nucleotide variant.
Coding change: c.2470G>A on transcript NM_032043.3 (MANE Select); coding-DNA position 2470, G replaced by A.
Protein change: p.Ala824Thr; replaces alanine 824 with threonine.
Molecular consequence: missense variant.
Genome position (GRCh38, 1-based): chr17:61,715,973, C>T on the plus strand (G>A on the coding strand, the complement: BRIP1 is on the minus strand). VCF-style: chr17-61715973-C-T. GRCh37 (hg19) VCF-style: chr17-59793334-C-T.
Other names: short protein forms A824T.
Identifiers: ClinVar variation 821341 (VCV000821341.4), dbSNP rs1603293334, ClinGen allele CA400479472.